The following is an entry in ClinVar:

ClinVar aggregate classification (germline): Likely pathogenic (1 of 4 stars; one submission).

Submission:

CeGaT Center for Human Genetics Tuebingen
Classification: Likely pathogenic. Last evaluated: 2022-09-01. Review status: criteria provided, single submitter. Criteria: CeGaT Center For Human Genetics Tuebingen Variant Classification Criteria Version 2. Collection method: clinical testing. Allele origin: germline. Affected: yes. Observed: 1 variant allele.
Comment: KIDINS220: PVS1:Strong, PM2

NM_020738.4(KIDINS220):c.4040del (p.Asn1347fs)

Gene: KIDINS220 (kinase D interacting substrate 220; minus strand). Cytogenetic location: 2p25.1.
Variant type: Deletion.
Coding change: c.4040del on transcript NM_020738.4 (MANE Select); coding-DNA position 4040, one base deleted (A; older notation c.4040delA).
Protein change: p.Asn1347fs; shifts the reading frame from asparagine 1347.
Molecular consequence: frameshift variant. On other transcripts: non-coding transcript variant (2).
Genome position (GRCh38, 1-based): chr2:8,733,457, T deleted on the plus strand (A on the coding strand, the reverse complement: KIDINS220 is on the minus strand); the first of 2 consecutive T bases (chr2:8,733,457-8,733,458); deleting either gives the same sequence. VCF-style (leftmost placement, unchanged base first): chr2-8733456-AT-A. GRCh37 (hg19) VCF-style: chr2-8873586-AT-A.
Other names: c.4043del, p.Asn1348fs (NM_001348729.2); c.3986del, p.Asn1329fs (NM_001348731.2); c.3983del, p.Asn1328fs (NM_001348732.2, NM_001348738.2); c.3872del, p.Asn1291fs (NM_001348734.2, NM_001348739.2, NM_001348740.2); c.3869del, p.Asn1290fs (NM_001348735.2, NM_001348741.2, NM_001348742.2 and 1 more transcripts); c.3743del, p.Asn1248fs (NM_001348736.2); short protein forms N1248fs, N1290fs, N1291fs, N1328fs, N1329fs, N1347fs, N1348fs.
Identifiers: ClinVar variation 1711490 (VCV001711490.30), dbSNP rs2527424554, ClinGen allele CA2580068132.
Genomic context (GRCh38, chr2:8,733,456, plus strand): 5'-CGGTGTGCTTATTCTTCAATAATATGAAAAATGCCATTCAATAAATACCTGCCAACTTAG[AT>A]TACTGTGACGAGGGGCACCTTCATCCAGGCCAAGCGTGTTCAGCTCTTCGAAGCTGAAGT-3'